The following is an entry in ClinVar:

ClinVar aggregate classification (germline): Conflicting classifications of pathogenicity. Review status: criteria provided, conflicting classifications (1 of 4 stars). 2 submissions from 2 submitters: Uncertain significance (1); Benign (1). Last evaluated 2025-05-22.

Conditions:
Hereditary cancer-predisposing syndrome. Also called: Hereditary neoplastic syndrome; Neoplastic Syndromes, Hereditary; Tumor predisposition; Hereditary Cancer Syndrome. Identifiers: Orphanet 140162, MedGen C0027672, MeSH D009386, MONDO:0015356.
Breast-ovarian cancer, familial, susceptibility to, 2 (BROVCA2). Also called: BRCA2 Hereditary Breast and Ovarian Cancer. Identifiers: Orphanet 145, MedGen C2675520, MONDO:0012933, OMIM 612555. Disease mechanism: loss of function.

Allele frequency attached by ClinVar (database versions not stated): gnomAD exomes below 0.00001.
gnomAD v4.1: 2 of 1,613,796 alleles (0.00012%); highest among the groups gnomAD compares: Non-Finnish European, 0.00017%; no homozygotes.

Submissions (2):

Ambry Genetics
Classification: Benign for Hereditary cancer-predisposing syndrome. Last evaluated: 2025-05-22. Review status: criteria provided, single submitter. Criteria: Ambry Variant Classification Scheme 2023. Collection method: clinical testing. Allele origin: germline.

All of Us Research Program, National Institutes of Health
Classification: Uncertain significance for Breast-ovarian cancer, familial, susceptibility to, 2. Last evaluated: 2023-05-16. Review status: criteria provided, single submitter. Criteria: ACMG Guidelines, 2015. Collection method: clinical testing. Allele origin: germline. Inheritance: Autosomal dominant inheritance. Observed: 1 variant allele, 1 heterozygote.
Comment: This missense variant replaces arginine with lysine at codon 2949 of the BRCA2 protein. Computational prediction suggests that this variant may not impact protein structure and function (internally defined REVEL score threshold <= 0.5, PMID: 27666373). To our knowledge, functional studies have not been reported for this variant. This variant has been reported in a multifactorial analysis with co-occurrence and family history likelihood ratios for pathogenicity of 1.0246 and 0.7198, respectively (PMID: 31131967). This variant has not been identified in the general population by the Genome Aggregation Database (gnomAD). The available evidence is insufficient to determine the role of this variant in disease conclusively. Therefore, this variant is classified as a Variant of Uncertain Significance.

This study involves interpretation of variants in research participants for the purpose of population health screening. Participant phenotype was not available at the time of variant classification. Additional details can be found in publication PMID: 35346344, PMCID: PMC8962531

Literature cited by the submitters: PubMed 31131967 (cited by All of Us Research Program, National Institutes of Health).

NM_000059.4(BRCA2):c.8846G>A (p.Arg2949Lys)

Gene: BRCA2 (BRCA2 DNA repair associated; plus strand). Cytogenetic location: 13q13.1.
Variant type: single nucleotide variant.
Coding change: c.8846G>A on transcript NM_000059.4 (MANE Select); coding-DNA position 8846, G replaced by A.
Protein change: p.Arg2949Lys; replaces arginine 2949 with lysine.
Molecular consequence: missense variant. On other transcripts: non-coding transcript variant (1).
Genome position (GRCh38, 1-based): chr13:32,379,408, G>A. VCF-style: chr13-32379408-G-A. GRCh37 (hg19) VCF-style: chr13-32953545-G-A.
Other names: c.8750G>A, p.Arg2917Lys (NM_001406719.1); c.8846G>A, p.Arg2949Lys (NM_001406720.1); c.3914G>A, p.Arg1305Lys (NM_001406721.1); c.2429G>A, p.Arg810Lys (NM_001406722.1); short protein forms R1305K, R2917K, R2949K, R810K.
Identifiers: ClinVar variation 3071243 (VCV003071243.3), dbSNP rs2137619776, ClinGen allele CA387756250.